The following is an entry in ClinVar:

ClinVar aggregate classification (germline): Pathogenic (1 of 4 stars; one submission).

Conditions:
MHC class II deficiency. Also called: BLS, TYPE II; Bare lymphocyte syndrome 2. Identifiers: Orphanet 572, MedGen C5447452, MONDO:0008855.

Submission:

Women's Health and Genetics/Laboratory Corporation of America, LabCorp
Classification: Pathogenic for MHC class II deficiency. Last evaluated: 2025-07-24. Review status: criteria provided, single submitter. Criteria: LabCorp Variant Classification Summary - May 2015. Collection method: clinical testing. Allele origin: germline.
Comment: Variant summary: RFXAP c.587dupA (p.Asn196LysfsX10) results in a premature termination codon, predicted to cause a truncation of the encoded protein or absence of the protein due to nonsense mediated decay, which are commonly known mechanisms for disease. The variant was absent in 250064 control chromosomes. To our knowledge, no occurrence of c.587dupA in individuals affected with Bare Lymphocyte Syndrome 2 - RFXAP Related and no experimental evidence demonstrating its impact on protein function have been reported. No submitters have cited clinical-significance assessments for this variant to ClinVar. Based on the evidence outlined above, the variant was classified as pathogenic.

NM_000538.4(RFXAP):c.587dup (p.Asn196fs)

Genes: RFXAP (regulatory factor X associated protein; plus strand), LOC130009575 (ATAC-STARR-seq lymphoblastoid active region 7590; plus strand). Cytogenetic location: 13q13.3.
Variant type: Duplication.
Coding change: c.587dup on transcript NM_000538.4 (MANE Select); coding-DNA position 587, one base duplicated (A; older notation c.587dupA).
Protein change: p.Asn196fs; shifts the reading frame from asparagine 196.
Molecular consequence: frameshift variant.
Genome position (GRCh38, 1-based): chr13:36,819,944, A duplicated; the last of 3 consecutive A bases (chr13:36,819,942-36,819,944); duplicating any one gives the same sequence. VCF-style (leftmost placement, unchanged base first): chr13-36819941-G-GA. GRCh37 (hg19) VCF-style: chr13-37394078-G-GA.
Other names: c.587dupA (NM_000538.4); short protein forms N196fs.
Identifiers: ClinVar variation 4526231 (VCV004526231.1).
Genomic context (GRCh38, chr13:36,819,941, plus strand): 5'-AAAAGAAGAAGAGCGACCAGGCCCTGAACTGCGGTGGGACTGCCTCGACTGGCAGCGCGG[G>GA]AAACGTCAAACTCGAGGTATCAGACTTAGCTGAGGCCTGGGGATGGGAGGTGGAAGAAGA-3'